The following is an entry in ClinVar:

NM_001267550.2(TTN):c.92493del (p.Asp30832fs)

Genes: TTN (titin; minus strand), TTN-AS1 (TTN antisense RNA 1; plus strand). Cytogenetic location: 2q31.2.
Variant type: Deletion.
Coding change: c.92493del on transcript NM_001267550.2 (MANE Select); coding-DNA position 92493, one base deleted (A; older notation c.92493delA).
Protein change: p.Asp30832fs; shifts the reading frame from aspartic acid 30832.
Molecular consequence: frameshift variant.
Genome position (GRCh38, 1-based): chr2:178,549,133, T deleted on the plus strand (A on the coding strand, the reverse complement: TTN is on the minus strand). VCF-style (leftmost placement, unchanged base first): chr2-178549132-CT-C. GRCh37 (hg19) VCF-style: chr2-179413859-CT-C.
Other names: c.87570del, p.Asp29191fs (NM_001256850.1); c.65298del, p.Asp21767fs (NM_003319.4); c.84789del, p.Asp28264fs (NM_133378.4); c.65673del, p.Asp21892fs (NM_133432.3); c.65874del, p.Asp21959fs (NM_133437.4); c.65298delA (NM_003319.4); short protein forms D21767fs, D21892fs, D21959fs, D28264fs, D29191fs, D30832fs.
Identifiers: ClinVar variation 3223331 (VCV003223331.1), dbSNP rs2469152579, ClinGen allele CA2825001014.

ClinVar aggregate classification (germline): Likely pathogenic (1 of 4 stars; one submission).

Conditions:
Cardiovascular phenotype. Identifiers: MedGen CN230736.

Submission:

Ambry Genetics
Classification: Likely pathogenic for Cardiovascular phenotype. Last evaluated: 2023-11-06. Review status: criteria provided, single submitter. Criteria: Ambry Variant Classification Scheme 2023. Collection method: clinical testing. Allele origin: germline.
Comment: The c.65298delA variant, located in coding exon 166 of the TTN gene, results from a deletion of one nucleotide at nucleotide position 65298, causing a translational frameshift with a predicted alternate stop codon (p.D21767Tfs*7). This exon is located in the A-band region of the N2-B isoform of the titin protein and is constitutively expressed in TTN transcripts (percent spliced in or PSI 100%). This variant is considered to be rare based on population cohorts in the Genome Aggregation Database (gnomAD). This alteration is expected to result in loss of function by premature protein truncation or nonsense-mediated mRNA decay. While truncating variants in TTN are present in 1-3% of the general population, truncating variants in the A-band are the most common cause of dilated cardiomyopathy (DCM) (Herman DS et al. N. Engl. J. Med., 2012 Feb;366:619-28; Roberts AM et al. Sci Transl Med, 2015 Jan;7:270ra6). TTN truncating variants encoded in constitutive exons (PSI >90%) have been found to be significantly associated with DCM regardless of their position in titin (Schafer S et al. Nat. Genet., 2017 01;49:46-53). Based on the majority of available evidence to date, this variant is likely to be pathogenic.